The following is an entry in ClinVar:

NM_001098511.3(KIF2A):c.460C>T (p.Arg154Cys)

Gene: KIF2A (kinesin family member 2A; plus strand). Cytogenetic location: 5q12.1.
Variant type: single nucleotide variant.
Coding change: c.460C>T on transcript NM_001098511.3 (MANE Select); coding-DNA position 460, C replaced by T.
Protein change: p.Arg154Cys; replaces arginine 154 with cysteine.
Molecular consequence: missense variant.
Genome position (GRCh38, 1-based): chr5:62,353,277, C>T. VCF-style: chr5-62353277-C-T. GRCh37 (hg19) VCF-style: chr5-61649104-C-T.
Other names: c.379C>T, p.Arg127Cys (NM_001243952.2); c.403C>T, p.Arg135Cys (NM_001243953.2); c.460C>T, p.Arg154Cys (NM_004520.5); short protein forms R135C, R154C, R127C.
Identifiers: ClinVar variation 1501871 (VCV001501871.8), dbSNP rs747697385, ClinGen allele CA3278792.
Genomic context (GRCh38, chr5:62,353,277, plus strand): 5'-TAATATTAGTACTCTAAAAAAGAAAACTATACTTCTACAGCTCATCTTTTCTTTTCAGCA[C>T]GTAGAAAATCTAATTGTGTGAAAGAAGTAGAAAAACTGCAAGAAAAACGAGAGAAAAGGA-3'
Protein context (NP_001091981.1, residues 144-164): AAKKEFGPPS[Arg154Cys]RKSNCVKEVE

ClinVar aggregate classification (germline): Uncertain significance (1 of 4 stars; one submission).

Allele frequency attached by ClinVar (database versions not stated): TOPMed below 0.00001; ExAC 0.00002; gnomAD exomes 0.00002.

Submission:

Labcorp Genetics (formerly Invitae), Labcorp
Classification: Uncertain significance. Last evaluated: 2022-08-23. Review status: criteria provided, single submitter. Criteria: Invitae Variant Classification Sherloc (09022015). Collection method: clinical testing. Allele origin: germline.
Comment: In summary, the available evidence is currently insufficient to determine the role of this variant in disease. Therefore, it has been classified as a Variant of Uncertain Significance. Algorithms developed to predict the effect of missense changes on protein structure and function are either unavailable or do not agree on the potential impact of this missense change (SIFT: "Deleterious"; PolyPhen-2: "Probably Damaging"; Align-GVGD: "Class C15"). ClinVar contains an entry for this variant (Variation ID: 1501871). This variant has not been reported in the literature in individuals affected with KIF2A-related conditions. The frequency data for this variant in the population databases is considered unreliable, as metrics indicate poor data quality at this position in the gnomAD database. This sequence change replaces arginine, which is basic and polar, with cysteine, which is neutral and slightly polar, at codon 154 of the KIF2A protein (p.Arg154Cys).